The following is an entry in ClinVar:

ClinVar aggregate classification (germline): Likely benign. Review status: criteria provided, multiple submitters, no conflicts (2 of 4 stars). 2 submissions from 2 submitters: Likely benign (2). Last evaluated 2022-07-12.

Allele frequency attached by ClinVar (database versions not stated): gnomAD exomes below 0.00001.
gnomAD v4.1: 3 of 1,611,696 alleles (0.00019%); highest among the groups gnomAD compares: Admixed American, 0.0017%; no homozygotes.

Submissions (2):

Labcorp Genetics (formerly Invitae), Labcorp
Classification: Likely benign. Last evaluated: 2022-07-12. Review status: criteria provided, single submitter. Criteria: Invitae Variant Classification Sherloc (09022015). Collection method: clinical testing. Allele origin: germline.

Laboratory for Molecular Medicine, Mass General Brigham Personalized Medicine
Classification: Likely benign. Last evaluated: 2015-06-18. Review status: criteria provided, single submitter. Criteria: LMM Criteria. Collection method: clinical testing. Allele origin: germline. Observed: 1 variant allele.
Comment: p.Thr1657Thr in exon 35 of MYH9: This variant is not expected to have clinical s ignificance because it does not alter an amino acid residue and is not located w ithin the splice consensus sequence.

NM_002473.6(MYH9):c.4971C>G (p.Thr1657=)

Gene: MYH9 (myosin heavy chain 9; minus strand). Cytogenetic location: 22q12.3.
Variant type: single nucleotide variant.
Coding change: c.4971C>G on transcript NM_002473.6 (MANE Select); coding-DNA position 4971, C replaced by G.
Protein change: p.Thr1657=; no amino-acid change (threonine 1657 retained).
Molecular consequence: synonymous variant.
Genome position (GRCh38, 1-based): chr22:36,286,808, G>C on the plus strand (C>G on the coding strand, the complement: MYH9 is on the minus strand). VCF-style: chr22-36286808-G-C. GRCh37 (hg19) VCF-style: chr22-36682854-G-C.
Identifiers: ClinVar variation 227614 (VCV000227614.11), dbSNP rs876657523, ClinGen allele CA10577133.